The following is an entry in ClinVar:

NM_130811.4(SNAP25):c.12C>T (p.Asp4=)

Gene: SNAP25 (synaptosome associated protein 25; plus strand). Cytogenetic location: 20p12.2.
Variant type: single nucleotide variant.
Coding change: c.12C>T on transcript NM_130811.4 (MANE Select); coding-DNA position 12, C replaced by T.
Protein change: p.Asp4=; no amino-acid change (aspartic acid 4 retained).
Molecular consequence: synonymous variant.
Genome position (GRCh38, 1-based): chr20:10,275,503, C>T. VCF-style: chr20-10275503-C-T. GRCh37 (hg19) VCF-style: chr20-10256151-C-T.
Other names: c.12C>T, p.Asp4= (NM_001322902.2, NM_001322903.2, NM_001322904.2 and 7 more transcripts); c.12C>T (NM_130811.3).
Identifiers: ClinVar variation 1590536 (VCV001590536.9), dbSNP rs769285280, ClinGen allele CA9763238.
Genomic context (GRCh38, chr20:10,275,503, plus strand): 5'-CCGTCACTGACCCCCCAGCCCAGGCGCCCAGCCACTCCCCACCGCTACCATGGCCGAAGA[C>T]GCAGACATGCGCAATGAGCTGGAGGAGATGCAGCGAAGGGCTGACCAGTTGGCTGATGAG-3'
Protein context (NP_570824.1, residues 1-14): MAE[Asp4=]ADMRNELEEM

ClinVar aggregate classification (germline): Likely benign. Review status: criteria provided, multiple submitters, no conflicts (2 of 4 stars). 2 submissions from 2 submitters: Likely benign (2). Last evaluated 2026-07-17.

Conditions:
Congenital myasthenic syndrome 18. Also called: MYASTHENIC SYNDROME, CONGENITAL, 18, WITH INTELLECTUAL DISABILITY AND ATAXIA. Identifiers: Orphanet 590, MedGen C4225364, MONDO:0014590, OMIM 616330.
SNAP25-related disorder.

Allele frequency attached by ClinVar (database versions not stated): gnomAD exomes below 0.00001; TOPMed below 0.00001; ExAC 0.00001.
gnomAD v4.1: 6 of 1,604,990 alleles (0.00037%); highest among the groups gnomAD compares: East Asian, 0.0022%; no homozygotes.

Submissions (2):

PreventionGenetics, part of Exact Sciences
Classification: Likely benign for SNAP25-related condition. Last evaluated: 2026-07-17. Review status: criteria provided, single submitter. Criteria: ACMG Guidelines, 2015. Collection method: clinical testing. Allele origin: germline.
Comment: This variant is classified as likely benign based on ACMG/AMP sequence variant interpretation guidelines (Richards et al. 2015 PMID: 25741868, with internal and published modifications).

Labcorp Genetics (formerly Invitae), Labcorp
Classification: Likely benign for Congenital myasthenic syndrome 18. Last evaluated: 2025-04-22. Review status: criteria provided, single submitter. Criteria: Invitae Variant Classification Sherloc (09022015). Collection method: clinical testing. Allele origin: germline.